The following is an entry in ClinVar:

NM_001377137.1(GBF1):c.1856G>A (p.Gly619Asp)

Gene: GBF1 (golgi brefeldin A resistant guanine nucleotide exchange factor 1; plus strand). Cytogenetic location: 10q24.32.
Variant type: single nucleotide variant.
Coding change: c.1856G>A on transcript NM_001377137.1 (MANE Select); coding-DNA position 1856, G replaced by A.
Protein change: p.Gly619Asp; replaces glycine 619 with aspartic acid.
Molecular consequence: missense variant. On other transcripts: non-coding transcript variant (5), intron variant (3).
Genome position (GRCh38, 1-based): chr10:102,362,644, G>A. VCF-style: chr10-102362644-G-A. GRCh37 (hg19) VCF-style: chr10-104122401-G-A.
Other names: p.Gly618Asp; c.1856G>A, p.Gly619Asp (NM_001199378.2, NM_001391923.1); c.1853G>A, p.Gly618Asp (NM_001199379.2, NM_001377141.1, NM_001391924.1 and 5 more transcripts); c.1559G>A, p.Gly520Asp (NM_001377139.1, NM_001377140.1); c.1952G>A, p.Gly651Asp (NM_001391922.1, NM_001411027.1); c.1475G>A, p.Gly492Asp (NM_001391931.1); c.1928G>A, p.Gly643Asp (NM_001411003.1); c.1840+16G>A (NM_001391926.1); and 1 more; short protein forms G492D, G520D, G618D, G619D, G643D, G651D.
Identifiers: ClinVar variation 4683544 (VCV004683544.1).

ClinVar aggregate classification (germline): Likely benign (1 of 4 stars; one submission).

gnomAD v4.1: 53 of 1,613,792 alleles (0.0033%); highest among the groups gnomAD compares: Non-Finnish European, 0.0045%; no homozygotes.

Submission:

Mayo Clinic Laboratories, Mayo Clinic
Classification: Likely benign. Last evaluated: 2024-11-01. Review status: criteria provided, single submitter. Criteria: ACMG Guidelines, 2015. Collection method: clinical testing. Allele origin: germline. Observed: 1 variant allele.
Comment: BS2, BP4